The following is an entry in ClinVar:

ClinVar aggregate classification (germline): Uncertain significance (1 of 4 stars; one submission).

Conditions:
Congenital sideroblastic anemia-B-cell immunodeficiency-periodic fever-developmental delay syndrome. Also called: Sideroblastic anemia with B-cell immunodeficiency, periodic fevers, and developmental delay. Identifiers: Orphanet 369861, MedGen C4015172, MONDO:0014487, OMIM 616084.

Allele frequency attached by ClinVar (database versions not stated): gnomAD 0.00003.
gnomAD v4.1: 16 of 1,574,220 alleles (0.001%); highest among the groups gnomAD compares: African/African-American, 0.021%; no homozygotes.

Submission:

Labcorp Genetics (formerly Invitae), Labcorp
Classification: Uncertain significance for Congenital sideroblastic anemia-B-cell immunodeficiency-periodic fever-developmental delay syndrome. Last evaluated: 2022-06-14. Review status: criteria provided, single submitter. Criteria: Invitae Variant Classification Sherloc (09022015). Collection method: clinical testing. Allele origin: germline.
Comment: This sequence change falls in intron 4 of the TRNT1 gene. It does not directly change the encoded amino acid sequence of the TRNT1 protein. This variant is present in population databases (rs755138290, gnomAD 0.02%). This variant has not been reported in the literature in individuals affected with TRNT1-related conditions. Algorithms developed to predict the effect of sequence changes on RNA splicing suggest that this variant may disrupt the consensus splice site. In summary, the available evidence is currently insufficient to determine the role of this variant in disease. Therefore, it has been classified as a Variant of Uncertain Significance.

NM_182916.3(TRNT1):c.482-4A>G

Gene: TRNT1 (tRNA nucleotidyl transferase 1; plus strand). Cytogenetic location: 3p26.2.
Variant type: single nucleotide variant.
Coding change: c.482-4A>G on transcript NM_182916.3 (MANE Select); 4 bases into the intron before coding-DNA position 482, A replaced by G.
Molecular consequence: intron variant.
Genome position (GRCh38, 1-based): chr3:3,144,580, A>G. VCF-style: chr3-3144580-A-G. GRCh37 (hg19) VCF-style: chr3-3186264-A-G.
Other names: c.482-4A>G (NM_001367321.1, NM_001367323.1, NM_001367322.1 and 1 more transcripts).
Identifiers: ClinVar variation 2083081 (VCV002083081.1), dbSNP rs755138290, ClinGen allele CA2228692.